The following is an entry in ClinVar:

NM_001386140.1(MTTP):c.2314C>T (p.Arg772Cys)

Gene: MTTP (microsomal triglyceride transfer protein; plus strand). Cytogenetic location: 4q23.
Variant type: single nucleotide variant.
Coding change: c.2314C>T on transcript NM_001386140.1 (MANE Select); coding-DNA position 2314, C replaced by T.
Protein change: p.Arg772Cys; replaces arginine 772 with cysteine.
Molecular consequence: missense variant.
Genome position (GRCh38, 1-based): chr4:99,619,070, C>T. VCF-style: chr4-99619070-C-T. GRCh37 (hg19) VCF-style: chr4-100540227-C-T.
Other names: c.2314C>T, p.Arg772Cys (NM_000253.4); c.2065C>T, p.Arg689Cys (NM_001300785.2); short protein forms R689C, R772C.
Identifiers: ClinVar variation 2157988 (VCV002157988.1), dbSNP rs1376017096, ClinGen allele CA357518474.

ClinVar aggregate classification (germline): Uncertain significance (1 of 4 stars; one submission).

Allele frequency attached by ClinVar (database versions not stated): gnomAD exomes below 0.00001; gnomAD 0.00001; TOPMed 0.00001.
gnomAD v4.1: 8 of 1,613,348 alleles (0.0005%); highest among the groups gnomAD compares: African/African-American, 0.0027%; no homozygotes.

Submission:

Labcorp Genetics (formerly Invitae), Labcorp
Classification: Uncertain significance. Last evaluated: 2022-08-08. Review status: criteria provided, single submitter. Criteria: Invitae Variant Classification Sherloc (09022015). Collection method: clinical testing. Allele origin: germline.
Comment: This sequence change replaces arginine, which is basic and polar, with cysteine, which is neutral and slightly polar, at codon 772 of the MTTP protein (p.Arg772Cys). This variant is present in population databases (no rsID available, gnomAD 0.006%). This missense change has been observed in individual(s) with clinical features of dyslipidemia (PMID: 32041611). Algorithms developed to predict the effect of missense changes on protein structure and function are either unavailable or do not agree on the potential impact of this missense change (SIFT: "Deleterious"; PolyPhen-2: "Probably Damaging"; Align-GVGD: "Class C0"). In summary, the available evidence is currently insufficient to determine the role of this variant in disease. Therefore, it has been classified as a Variant of Uncertain Significance.

Literature cited by the submitters: PubMed 32041611.